The following is an entry in ClinVar:

NM_000059.4(BRCA2):c.2458G>A (p.Asp820Asn)

Gene: BRCA2 (BRCA2 DNA repair associated; plus strand). Cytogenetic location: 13q13.1.
Variant type: single nucleotide variant.
Coding change: c.2458G>A on transcript NM_000059.4 (MANE Select); coding-DNA position 2458, G replaced by A.
Protein change: p.Asp820Asn; replaces aspartic acid 820 with asparagine.
Molecular consequence: missense variant.
Genome position (GRCh38, 1-based): chr13:32,336,813, G>A. VCF-style: chr13-32336813-G-A. GRCh37 (hg19) VCF-style: chr13-32910950-G-A.
Other names: short protein forms D820N.
Identifiers: ClinVar variation 928250 (VCV000928250.14), dbSNP rs1593896974, ClinGen allele CA387772313.

ClinVar aggregate classification (germline): Conflicting classifications of pathogenicity. Review status: criteria provided, conflicting classifications (1 of 4 stars). 4 submissions from 4 submitters: Uncertain significance (3); Likely benign (1). Last evaluated 2025-09-10.

Conditions:
Hereditary cancer-predisposing syndrome. Also called: Neoplastic Syndromes, Hereditary; Hereditary Cancer Syndrome; Tumor predisposition; Hereditary neoplastic syndrome. Identifiers: Orphanet 140162, MedGen C0027672, MeSH D009386, MONDO:0015356.
Hereditary breast ovarian cancer syndrome. Also called: Hereditary breast and ovarian cancer syndrome; Hereditary breast and ovarian cancer syndrome (HBOC); Hereditary breast and/or ovarian cancer syndrome; Hereditary breast and ovarian cancer; Breast and ovarian cancer; BRCA1- and BRCA2-Associated Hereditary Breast and Ovarian Cancer. Identifiers: Orphanet 145, MedGen C0677776, MeSH D061325, MONDO:0003582. Disease mechanism: loss of function.

Submissions (4):

Color Diagnostics, LLC DBA Color Health
Classification: Uncertain significance for Hereditary cancer-predisposing syndrome. Last evaluated: 2025-09-10. Review status: criteria provided, single submitter. Criteria: ACMG Guidelines, 2015. Collection method: clinical testing. Allele origin: germline.
Comment: This missense variant replaces aspartic acid with asparagine at codon 820 of the BRCA2 protein. Computational prediction is inconclusive regarding the impact of this variant on protein structure and function. To our knowledge, functional studies have not been reported for this variant. This variant has not been reported in individuals affected with hereditary cancer in the literature. This variant has not been identified in the general population by the Genome Aggregation Database (gnomAD). The available evidence is insufficient to determine the role of this variant in disease conclusively. Therefore, this variant is classified as a Variant of Uncertain Significance.

Ambry Genetics
Classification: Uncertain significance for Hereditary cancer-predisposing syndrome. Last evaluated: 2024-06-16. Review status: criteria provided, single submitter. Criteria: Ambry Variant Classification Scheme 2023. Collection method: clinical testing. Allele origin: germline.
Comment: The p.D820N variant (also known as c.2458G>A), located in coding exon 10 of the BRCA2 gene, results from a G to A substitution at nucleotide position 2458. The aspartic acid at codon 820 is replaced by asparagine, an amino acid with highly similar properties. This amino acid position is conserved. In addition, this alteration is predicted to be tolerated by in silico analysis. Since supporting evidence is limited at this time, the clinical significance of this alteration remains unclear.

University of Washington Department of Laboratory Medicine, University of Washington
Classification: Likely benign for Hereditary cancer-predisposing syndrome. Last evaluated: 2023-03-23. Review status: criteria provided, single submitter. Criteria: Dines et al. (Genet Med. 2020). Collection method: curation. Allele origin: germline.
Comment: Missense variant in a coldspot region where missense variants are very unlikely to be pathogenic (PMID:31911673).

BRCA2 exon 11 coldspot. Reclassification based on statistical prior probability.

Labcorp Genetics (formerly Invitae), Labcorp
Classification: Uncertain significance for Hereditary breast ovarian cancer syndrome. Last evaluated: 2021-08-31. Review status: criteria provided, single submitter. Criteria: Invitae Variant Classification Sherloc (09022015). Collection method: clinical testing. Allele origin: germline.
Comment: This sequence change replaces aspartic acid with asparagine at codon 820 of the BRCA2 protein (p.Asp820Asn). The aspartic acid residue is weakly conserved and there is a small physicochemical difference between aspartic acid and asparagine. This variant is not present in population databases (ExAC no frequency). This variant has not been reported in the literature in individuals affected with BRCA2-related conditions. Algorithms developed to predict the effect of missense changes on protein structure and function (SIFT, PolyPhen-2, Align-GVGD) all suggest that this variant is likely to be tolerated. In summary, the available evidence is currently insufficient to determine the role of this variant in disease. Therefore, it has been classified as a Variant of Uncertain Significance.